The following is an entry in ClinVar:

ClinVar aggregate classification (germline): Uncertain significance (1 of 4 stars; one submission).

gnomAD v4.1: 2 of 1,614,260 alleles (0.00012%); highest among the groups gnomAD compares: Admixed American, 0.0033%; no homozygotes.

Submission:

GeneDx
Classification: Uncertain significance. Last evaluated: 2023-03-15. Review status: criteria provided, single submitter. Criteria: GeneDx Variant Classification Process June 2021. Collection method: clinical testing. Allele origin: germline. Affected: yes.
Comment: Not observed at significant frequency in large population cohorts (gnomAD); In silico analysis supports that this missense variant does not alter protein structure/function; Has not been previously published as pathogenic or benign to our knowledge

NM_001940.4(ATN1):c.2626C>G (p.Leu876Val)

Gene: ATN1 (atrophin 1; plus strand). Cytogenetic location: 12p13.31.
Variant type: single nucleotide variant.
Coding change: c.2626C>G on transcript NM_001940.4 (MANE Select); coding-DNA position 2626, C replaced by G.
Protein change: p.Leu876Val; replaces leucine 876 with valine.
Molecular consequence: missense variant.
Genome position (GRCh38, 1-based): chr12:6,938,589, C>G. VCF-style: chr12-6938589-C-G. GRCh37 (hg19) VCF-style: chr12-7047752-C-G.
Other names: c.2626C>G, p.Leu876Val (NM_001007026.2, NM_001424176.1, NM_001424177.1 and 1 more transcripts); c.2623C>G, p.Leu875Val (NM_001424179.1, NM_001424180.1); c.2605C>G, p.Leu869Val (NM_001424181.1); c.2602C>G, p.Leu868Val (NM_001424182.1); short protein forms L868V, L869V, L875V, L876V.
Identifiers: ClinVar variation 2579839 (VCV002579839.1), dbSNP rs1555144232, ClinGen allele CA383736519.